The following is an entry in ClinVar:

ClinVar aggregate classification (germline): Pathogenic (1 of 4 stars; one submission).

Conditions:
Autosomal recessive nonsyndromic hearing loss 84A. Also called: DEAFNESS, AUTOSOMAL RECESSIVE 84A; DEAFNESS, AUTOSOMAL RECESSIVE 84A, WITH VESTIBULAR DYSFUNCTION. Identifiers: Orphanet 90636, MedGen C3150654, MONDO:0013249, OMIM 613391.

gnomAD v4.1: 5 of 1,550,630 alleles (0.00032%); highest among the groups gnomAD compares: Non-Finnish European, 0.00044%; no homozygotes.

Submission:

Women's Health and Genetics/Laboratory Corporation of America, LabCorp
Classification: Pathogenic for Autosomal recessive nonsyndromic hearing loss 84A. Last evaluated: 2026-01-05. Review status: criteria provided, single submitter. Criteria: LabCorp Variant Classification Summary - May 2015. Collection method: clinical testing. Allele origin: germline.
Comment: Variant summary: PTPRQ c.3624G>A (p.Trp1208X) results in a premature termination codon, predicted to cause a truncation of the encoded protein or absence of the protein due to nonsense mediated decay, which are commonly known mechanisms for disease. The variant was absent in 153640 control chromosomes. To our knowledge, no occurrence of c.3624G>A in individuals affected with PTPRQ-related conditions and no experimental evidence demonstrating its impact on protein function have been reported. No submitters have cited clinical-significance assessments for this variant to ClinVar. Based on the evidence outlined above, the variant was classified as pathogenic.

NM_001145026.2(PTPRQ):c.3624G>A (p.Glu1208=)

Gene: PTPRQ (protein tyrosine phosphatase receptor type Q; plus strand). Cytogenetic location: 12q21.31.
Variant type: single nucleotide variant.
Coding change: c.3624G>A on transcript NM_001145026.2 (MANE Select); coding-DNA position 3624, G replaced by A.
Protein change: p.Glu1208=; no amino-acid change (glutamic acid 1208 retained).
Molecular consequence: synonymous variant.
Genome position (GRCh38, 1-based): chr12:80,542,267, G>A. VCF-style: chr12-80542267-G-A. GRCh37 (hg19) VCF-style: chr12-80936046-G-A.
Identifiers: ClinVar variation 4689666 (VCV004689666.1).